The following is an entry in ClinVar:

NM_001024845.3(SLC6A9):c.31-6253_31-6249del

Gene: SLC6A9 (solute carrier family 6 member 9; minus strand). Cytogenetic location: 1p34.1.
Variant type: Deletion.
Coding change: c.31-6253_31-6249del on transcript NM_001024845.3 (MANE Select); 6253 bases into the intron before coding-DNA position 31 through 6249 bases into the intron before coding-DNA position 31, 5 bases deleted (GAATG; older notation c.31-6253_31-6249delGAATG).
Molecular consequence: intron variant. On other transcripts: frameshift variant (5), initiator codon variant (3), non-coding transcript variant (1).
Genome position (GRCh38, 1-based): chr1:44,017,131-44,017,135, CATTC deleted on the plus strand (GAATG on the coding strand, the reverse complement: SLC6A9 is on the minus strand). VCF-style (leftmost placement, unchanged base first): chr1-44017130-TCATTC-T. GRCh37 (hg19) VCF-style: chr1-44482802-TCATTC-T.
Other names: c.-2_3del, p.Met1fs (NM_001261380.2, NM_006934.4, NM_201649.4); c.36_40del, p.Asn13fs (NM_001328627.1, NM_001328628.1); c.-15+7113_-15+7117del (NM_001328630.2, NM_001328626.2); c.31-6253_31-6249del (NM_001328629.1); short protein forms M1fs, N13fs.
Identifiers: ClinVar variation 3373260 (VCV003373260.1).

ClinVar aggregate classification (germline): Uncertain significance (1 of 4 stars; one submission).

Submission:

GeneDx
Classification: Uncertain significance. Last evaluated: 2024-03-06. Review status: criteria provided, single submitter. Criteria: GeneDx Variant Classification Process June 2021. Collection method: clinical testing. Allele origin: germline. Affected: yes.
Comment: Initiation codon variant in a gene for which loss of function is a known mechanism of disease; Alters the Kozak sequence, which plays a major role in the initiation of translation; Has not been previously published as pathogenic or benign to our knowledge